The following is an entry in ClinVar:

NM_015335.5(MED13L):c.2636C>T (p.Pro879Leu)

Gene: MED13L (mediator complex subunit 13L; minus strand). Cytogenetic location: 12q24.21.
Variant type: single nucleotide variant.
Coding change: c.2636C>T on transcript NM_015335.5 (MANE Select); coding-DNA position 2636, C replaced by T.
Protein change: p.Pro879Leu; replaces proline 879 with leucine.
Molecular consequence: missense variant.
Genome position (GRCh38, 1-based): chr12:115,997,164, G>A on the plus strand (C>T on the coding strand, the complement: MED13L is on the minus strand). VCF-style: chr12-115997164-G-A. GRCh37 (hg19) VCF-style: chr12-116434969-G-A.
Other names: short protein forms P879L.
Identifiers: ClinVar variation 421338 (VCV000421338.3), dbSNP rs1064795068, ClinGen allele CA16619443.

ClinVar aggregate classification (germline): Likely pathogenic. Review status: criteria provided, multiple submitters, no conflicts (2 of 4 stars). 2 submissions from 2 submitters: Likely pathogenic (2). Last evaluated 2026-06-15.

Conditions:
Cardiac anomalies - developmental delay - facial dysmorphism syndrome (MRFACD). Also called: Impaired intellectual development and distinctive facial features with or without cardiac defects; MED13L Syndrome. Identifiers: Orphanet 369891, MedGen C5192431, MONDO:0014773, OMIM 616789.

Submissions (2):

Institute of Human Genetics, Heidelberg University
Classification: Likely pathogenic for Cardiac anomalies - developmental delay - facial dysmorphism syndrome. Last evaluated: 2026-06-15. Review status: criteria provided, single submitter. Criteria: ACMG Guidelines, 2015. Collection method: clinical testing. Allele origin: de novo. Affected: yes. Observed: 1 variant allele.
Comment: PS2_mod, PM2_supp, PP3_mod, PP2_supp

GeneDx
Classification: Likely pathogenic. Last evaluated: 2016-05-27. Review status: criteria provided, single submitter. Criteria: GeneDx Variant Classification (06012015). Collection method: clinical testing. Allele origin: germline. Affected: yes.
Comment: The P879L variant in the MED13L gene has not been reported previously as a pathogenic variant, nor as a benign variant, to our knowledge. This variant was not observed in approximately 6500 individuals of European and African American ancestry in the NHLBI Exome Sequencing Project, indicating it is not a common benign variant in these populations. The P879L variant is a semi-conservative amino acid substitution, which may impact secondary protein structure as these residues differ in some properties. This substitution occurs at a position that is conserved across species, and in silico analysis predicts this variant is probably damaging to the protein structure/function. The P879L variant is a strong candidate for a pathogenic variant